The following is an entry in ClinVar:

NM_024685.4(BBS10):c.1036A>G (p.Ile346Val)

Gene: BBS10 (Bardet-Biedl syndrome 10; minus strand). Cytogenetic location: 12q21.2.
Variant type: single nucleotide variant.
Coding change: c.1036A>G on transcript NM_024685.4 (MANE Select); coding-DNA position 1036, A replaced by G.
Protein change: p.Ile346Val; replaces isoleucine 346 with valine.
Molecular consequence: missense variant.
Genome position (GRCh38, 1-based): chr12:76,346,949, T>C on the plus strand (A>G on the coding strand, the complement: BBS10 is on the minus strand). VCF-style: chr12-76346949-T-C. GRCh37 (hg19) VCF-style: chr12-76740729-T-C.
Other names: c.1036A>G (NM_024685.3); short protein forms I346V.
Identifiers: ClinVar variation 2187630 (VCV002187630.4), dbSNP rs200605410, ClinGen allele CA6694240.
Genomic context (GRCh38, chr12:76,346,949, plus strand): 5'-CAGTGTTAGGTATTTCACACTGCGAAAAGGCCTGTGGTGGTACAAATGGAGAAAGACCAA[T>C]GATCCTCCGGATAAGAGAAACTTCTTCTGATGATAAACACTCAACCACTGATATGCCATT-3'
Protein context (NP_078961.3, residues 336-356): SEEVSLIRRI[Ile346Val]GLSPFVPPQA

ClinVar aggregate classification (germline): Uncertain significance. Review status: criteria provided, multiple submitters, no conflicts (2 of 4 stars). 4 submissions from 4 submitters: Uncertain significance (4). Last evaluated 2026-05-18.

Conditions:
Bardet-Biedl syndrome (BBS). Identifiers: Orphanet 110, MedGen C0752166, MONDO:0015229.
BBS10-related disorder. Also called: BBS10-related condition.
Inborn genetic diseases. Identifiers: MedGen C0950123, MeSH D030342.

Allele frequency attached by ClinVar (database versions not stated): gnomAD exomes below 0.00001; ExAC 0.00001; gnomAD 0.00001.

Submissions (4):

PreventionGenetics, part of Exact Sciences
Classification: Uncertain significance for BBS10-related condition. Last evaluated: 2026-05-18. Review status: criteria provided, single submitter. Criteria: ACMG Guidelines, 2015. Collection method: clinical testing. Allele origin: germline.
Comment: The BBS10 c.1036A>G variant is predicted to result in the amino acid substitution p.Ile346Val. To our knowledge, this variant has not been reported in the literature. This variant is reported in 0.0015% of alleles in individuals of European (Non-Finnish) descent in gnomAD. At this time, the clinical significance of this variant is uncertain due to the absence of conclusive functional and genetic evidence.

Blueprint Genetics
Classification: Uncertain significance. Last evaluated: 2024-04-09. Review status: criteria provided, single submitter. Criteria: ACMG Guidelines, 2015. Collection method: clinical testing. Allele origin: germline.

Ambry Genetics
Classification: Uncertain significance for Inborn genetic diseases. Last evaluated: 2023-12-28. Review status: criteria provided, single submitter. Criteria: Ambry Variant Classification Scheme 2023. Collection method: clinical testing. Allele origin: germline.

Labcorp Genetics (formerly Invitae), Labcorp
Classification: Uncertain significance for Bardet-Biedl syndrome. Last evaluated: 2021-12-29. Review status: criteria provided, single submitter. Criteria: Invitae Variant Classification Sherloc (09022015). Collection method: clinical testing. Allele origin: germline.
Comment: This sequence change replaces isoleucine, which is neutral and non-polar, with valine, which is neutral and non-polar, at codon 346 of the BBS10 protein (p.Ile346Val). The frequency data for this variant in the population databases is considered unreliable, as metrics indicate poor data quality at this position in the gnomAD database. This variant has not been reported in the literature in individuals affected with BBS10-related conditions. Algorithms developed to predict the effect of missense changes on protein structure and function output the following: SIFT: "Tolerated"; PolyPhen-2: "Benign"; Align-GVGD: "Class C0". The valine amino acid residue is found in multiple mammalian species, which suggests that this missense change does not adversely affect protein function. In summary, the available evidence is currently insufficient to determine the role of this variant in disease. Therefore, it has been classified as a Variant of Uncertain Significance.